The following is an entry in ClinVar:

NM_172107.4(KCNQ2):c.*5949G>A

Gene: KCNQ2 (potassium voltage-gated channel subfamily Q member 2; minus strand). Cytogenetic location: 20q13.33.
Variant type: single nucleotide variant.
Coding change: c.*5949G>A on transcript NM_172107.4 (MANE Select); 5949 bases downstream of the stop codon, G replaced by A.
Molecular consequence: 3 prime UTR variant.
Genome position (GRCh38, 1-based): chr20:63,400,695, C>T on the plus strand (G>A on the coding strand, the complement: KCNQ2 is on the minus strand). VCF-style: chr20-63400695-C-T. GRCh37 (hg19) VCF-style: chr20-62032048-C-T.
Other names: c.*5949G>A (NM_001382235.1, NM_004518.6, NM_172106.3 and 1 more transcripts).
Identifiers: ClinVar variation 2571140 (VCV002571140.27), dbSNP rs577094863, ClinGen allele CA317414831.
Genomic context (GRCh38, chr20:63,400,695, plus strand): 5'-ACGGCGCAAATGGGGAAGCTGCAGCCACCGTCACGGCCAGAGGATGGCAGACTGCAATGG[C>T]GTGGGGCGCGGGCATGGCGGGCACACGTGGGCCGTGTGGATCCCGGGCAGAGGGATGGCG-3'

ClinVar aggregate classification (germline): Likely benign (1 of 4 stars; one submission).

Allele frequency attached by ClinVar (database versions not stated): TOPMed 0.00030; gnomAD 0.00044; gnomAD exomes 0.00048; 1000 Genomes Project 30x 0.00219; 1000 Genomes Project 0.00220.
gnomAD v4.1: 199 of 398,640 alleles (0.05%); highest among the groups gnomAD compares: South Asian, 0.89%; 1 homozygote.

Submission:

CeGaT Center for Human Genetics Tuebingen
Classification: Likely benign. Last evaluated: 2023-05-01. Review status: criteria provided, single submitter. Criteria: CeGaT Center For Human Genetics Tuebingen Variant Classification Criteria Version 2. Collection method: clinical testing. Allele origin: germline. Affected: yes. Observed: 6 variant alleles.
Comment: KCNQ2: BS1